The following is an entry in ClinVar:

NM_006904.7(PRKDC):c.11919A>G (p.Pro3973=)

Gene: PRKDC (protein kinase, DNA-activated, catalytic subunit; minus strand). Cytogenetic location: 8q11.21.
Variant type: single nucleotide variant.
Coding change: c.11919A>G on transcript NM_006904.7 (MANE Select); coding-DNA position 11919, A replaced by G.
Protein change: p.Pro3973=; no amino-acid change (proline 3973 retained).
Molecular consequence: synonymous variant.
Genome position (GRCh38, 1-based): chr8:47,777,809, T>C on the plus strand (A>G on the coding strand, the complement: PRKDC is on the minus strand). VCF-style: chr8-47777809-T-C. GRCh37 (hg19) VCF-style: chr8-48690370-T-C.
Other names: c.11826A>G, p.Pro3942= (NM_001081640.2).
Identifiers: ClinVar variation 1620318 (VCV001620318.11), dbSNP rs768299434, ClinGen allele CA4738956.

ClinVar aggregate classification (germline): Likely benign. Review status: criteria provided, multiple submitters, no conflicts (2 of 4 stars). 3 submissions from 3 submitters: Likely benign (2). 1 of the submissions does not count toward it. Last evaluated 2022-03-12.

Conditions:
PRKDC-related disorder. Also called: PRKDC-related condition.
Severe combined immunodeficiency due to DNA-PKcs deficiency. Also called: Immunodeficiency 26 with or without neurologic abnormalities; IMMUNODEFICIENCY 26 WITH NEUROLOGIC ABNORMALITIES. Identifiers: Orphanet 317425, MedGen C4014833, MONDO:0014423, OMIM 615966.

Allele frequency attached by ClinVar (database versions not stated): ExAC 0.00001.

Submissions (3):

Ambry Genetics
Classification: Likely benign. Last evaluated: 2022-03-12. Review status: criteria provided, single submitter. Criteria: Ambry Variant Classification Scheme 2023. Collection method: clinical testing. Allele origin: germline.

Labcorp Genetics (formerly Invitae), Labcorp
Classification: Likely benign for Severe combined immunodeficiency due to DNA-PKcs deficiency. Last evaluated: 2021-12-05. Review status: criteria provided, single submitter. Criteria: Invitae Variant Classification Sherloc (09022015). Collection method: clinical testing. Allele origin: germline.

PreventionGenetics, part of Exact Sciences
Classification: Likely benign for PRKDC-related condition. Last evaluated: 2024-05-28. Review status: no assertion criteria provided. Collection method: clinical testing. Allele origin: germline. Not counted in ClinVar's aggregate classification.
Comment: This variant is classified as likely benign based on ACMG/AMP sequence variant interpretation guidelines (Richards et al. 2015 PMID: 25741868, with internal and published modifications).